The following is an entry in ClinVar:

NM_012233.3(RAB3GAP1):c.2017C>T (p.Arg673Cys)

Gene: RAB3GAP1 (RAB3 GTPase activating protein catalytic subunit 1; plus strand). Cytogenetic location: 2q21.3.
Variant type: single nucleotide variant.
Coding change: c.2017C>T on transcript NM_012233.3 (MANE Select); coding-DNA position 2017, C replaced by T.
Protein change: p.Arg673Cys; replaces arginine 673 with cysteine.
Molecular consequence: missense variant.
Genome position (GRCh38, 1-based): chr2:135,150,462, C>T. VCF-style: chr2-135150462-C-T. GRCh37 (hg19) VCF-style: chr2-135908032-C-T.
Other names: c.2017C>T, p.Arg673Cys (NM_001172435.2); short protein forms R673C.
Identifiers: ClinVar variation 1933940 (VCV001933940.5), dbSNP rs1192051779, ClinGen allele CA348581488.

ClinVar aggregate classification (germline): Uncertain significance (1 of 4 stars; one submission).

Allele frequency attached by ClinVar (database versions not stated): gnomAD 0.00001; gnomAD exomes 0.00001.
gnomAD v4.1: 14 of 1,613,998 alleles (0.00087%); highest among the groups gnomAD compares: African/African-American, 0.0013%; no homozygotes.

Submission:

Labcorp Genetics (formerly Invitae), Labcorp
Classification: Uncertain significance. Last evaluated: 2023-11-27. Review status: criteria provided, single submitter. Criteria: Invitae Variant Classification Sherloc (09022015). Collection method: clinical testing. Allele origin: germline.
Comment: This sequence change replaces arginine, which is basic and polar, with cysteine, which is neutral and slightly polar, at codon 673 of the RAB3GAP1 protein (p.Arg673Cys). This variant is present in population databases (no rsID available, gnomAD 0.002%). This variant has not been reported in the literature in individuals affected with RAB3GAP1-related conditions. ClinVar contains an entry for this variant (Variation ID: 1933940). Advanced modeling of protein sequence and biophysical properties (such as structural, functional, and spatial information, amino acid conservation, physicochemical variation, residue mobility, and thermodynamic stability) performed at Invitae indicates that this missense variant is expected to disrupt RAB3GAP1 protein function with a positive predictive value of 80%. In summary, the available evidence is currently insufficient to determine the role of this variant in disease. Therefore, it has been classified as a Variant of Uncertain Significance.